The following is an entry in ClinVar:

NM_014264.5(PLK4):c.433A>T (p.Thr145Ser)

Gene: PLK4 (polo like kinase 4; plus strand). Cytogenetic location: 4q28.1.
Variant type: single nucleotide variant.
Coding change: c.433A>T on transcript NM_014264.5 (MANE Select); coding-DNA position 433, A replaced by T.
Protein change: p.Thr145Ser; replaces threonine 145 with serine.
Molecular consequence: missense variant.
Genome position (GRCh38, 1-based): chr4:127,885,803, A>T. VCF-style: chr4-127885803-A-T. GRCh37 (hg19) VCF-style: chr4-128806958-A-T.
Other names: c.337A>T, p.Thr113Ser (NM_001190799.2); c.310A>T, p.Thr104Ser (NM_001190801.2); short protein forms T113S, T145S, T104S.
Identifiers: ClinVar variation 1993462 (VCV001993462.4), dbSNP rs2546012138, ClinGen allele CA358168685.

ClinVar aggregate classification (germline): Uncertain significance (1 of 4 stars; one submission).

Submission:

Labcorp Genetics (formerly Invitae), Labcorp
Classification: Uncertain significance. Last evaluated: 2022-05-12. Review status: criteria provided, single submitter. Criteria: Invitae Variant Classification Sherloc (09022015). Collection method: clinical testing. Allele origin: germline.
Comment: This variant is not present in population databases (gnomAD no frequency). This sequence change replaces threonine, which is neutral and polar, with serine, which is neutral and polar, at codon 145 of the PLK4 protein (p.Thr145Ser). This variant has not been reported in the literature in individuals affected with PLK4-related conditions. Algorithms developed to predict the effect of missense changes on protein structure and function are either unavailable or do not agree on the potential impact of this missense change (SIFT: "Tolerated"; PolyPhen-2: "Probably Damaging"; Align-GVGD: "Class C0"). In summary, the available evidence is currently insufficient to determine the role of this variant in disease. Therefore, it has been classified as a Variant of Uncertain Significance.